The following is an entry in ClinVar:

ClinVar aggregate classification (germline): Uncertain significance. Review status: criteria provided, multiple submitters, no conflicts (2 of 4 stars). 2 submissions from 2 submitters: Uncertain significance (2). Last evaluated 2023-12-19.

Conditions:
Hereditary diffuse gastric adenocarcinoma (HDGC). Also called: DIFFUSE GASTRIC AND LOBULAR BREAST CANCER SYNDROME. Identifiers: Orphanet 26106, MedGen C1708349, MONDO:0007648, OMIM 137215.
Hereditary cancer-predisposing syndrome. Also called: Tumor predisposition; Hereditary Cancer Syndrome; Neoplastic Syndromes, Hereditary; Hereditary neoplastic syndrome. Identifiers: Orphanet 140162, MedGen C0027672, MeSH D009386, MONDO:0015356.

Allele frequency attached by ClinVar (database versions not stated): gnomAD exomes below 0.00001.
gnomAD v4.1: 1 of 1,612,424 alleles (0.000062%); highest among the groups gnomAD compares: Non-Finnish European, 0.000085%; no homozygotes.

Submissions (2):

Ambry Genetics
Classification: Uncertain significance for Hereditary cancer-predisposing syndrome. Last evaluated: 2023-12-19. Review status: criteria provided, single submitter. Criteria: Ambry Variant Classification Scheme 2023. Collection method: clinical testing. Allele origin: germline.
Comment: The c.1935A>G variant (also known as p.P645P), located in coding exon 12 of the CDH1 gene, results from an A to G substitution at nucleotide position 1935. This nucleotide substitution does not change the proline at codon 645. This nucleotide position is well conserved in available vertebrate species. In silico splice site analysis for this alteration is inconclusive and direct evidence is insufficient at this time (Ambry internal data). Since supporting evidence is limited at this time, the clinical significance of this alteration remains unclear.

Labcorp Genetics (formerly Invitae), Labcorp
Classification: Uncertain significance for Hereditary diffuse gastric adenocarcinoma. Last evaluated: 2022-03-27. Review status: criteria provided, single submitter. Criteria: Invitae Variant Classification Sherloc (09022015). Collection method: clinical testing. Allele origin: germline.
Comment: In summary, the available evidence is currently insufficient to determine the role of this variant in disease. Therefore, it has been classified as a Variant of Uncertain Significance. Algorithms developed to predict the effect of sequence changes on RNA splicing suggest that this variant is not likely to affect RNA splicing. This variant has not been reported in the literature in individuals affected with CDH1-related conditions. This variant is not present in population databases (gnomAD no frequency). This sequence change affects codon 645 of the CDH1 mRNA. It is a 'silent' change, meaning that it does not change the encoded amino acid sequence of the CDH1 protein. It affects a nucleotide within the consensus splice site.

NM_004360.5(CDH1):c.1935A>G (p.Pro645=)

Gene: CDH1 (cadherin 1; plus strand). Cytogenetic location: 16q22.1.
Variant type: single nucleotide variant.
Coding change: c.1935A>G on transcript NM_004360.5 (MANE Select); coding-DNA position 1935, A replaced by G.
Protein change: p.Pro645=; no amino-acid change (proline 645 retained).
Molecular consequence: synonymous variant. On other transcripts: 5 prime UTR variant (1).
Genome position (GRCh38, 1-based): chr16:68,822,224, A>G. VCF-style: chr16-68822224-A-G. GRCh37 (hg19) VCF-style: chr16-68856127-A-G.
Other names: c.1752A>G, p.Pro584= (NM_001317184.2); c.387A>G, p.Pro129= (NM_001317185.2); c.-31A>G (NM_001317186.2).
Identifiers: ClinVar variation 2118388 (VCV002118388.5), dbSNP rs2543943031, ClinGen allele CA496393052.